The following is an entry in ClinVar:

NM_004370.6(COL12A1):c.7840+1G>A

Gene: COL12A1 (collagen type XII alpha 1 chain; minus strand). Cytogenetic location: 6q13.
Variant type: single nucleotide variant.
Coding change: c.7840+1G>A on transcript NM_004370.6 (MANE Select); the canonical splice donor site of the intron after coding-DNA position 7840, G replaced by A.
Molecular consequence: splice donor variant.
Genome position (GRCh38, 1-based): chr6:75,113,601, C>T on the plus strand (G>A on the coding strand, the complement: COL12A1 is on the minus strand). VCF-style: chr6-75113601-C-T. GRCh37 (hg19) VCF-style: chr6-75823317-C-T.
Other names: IVS50DS, G-A, +1; c.4348+1G>A (NM_080645.3).
Identifiers: ClinVar variation 204294 (VCV000204294.12), dbSNP rs875989819, ClinGen allele CA10575740.

ClinVar aggregate classification (germline): Pathogenic. Review status: criteria provided, multiple submitters, no conflicts (2 of 4 stars). 3 submissions from 3 submitters: Pathogenic (2). 1 of the submissions does not count toward it. Last evaluated 2026-09-01.

Conditions:
Ullrich congenital muscular dystrophy 2 (UCMD2). Identifiers: Orphanet 75840, MedGen C4225314, MONDO:0014654, OMIM 616470.
Bethlem myopathy 2 (BTHLM2). Identifiers: Orphanet 536516, Orphanet 610, MedGen C4225313, MONDO:0034022, OMIM 616471.

Allele frequency attached by ClinVar (database versions not stated): gnomAD exomes below 0.00001 and 0.00001.
gnomAD v4.1: 11 of 1,599,860 alleles (0.00069%); highest among the groups gnomAD compares: Middle Eastern, 0.017%; no homozygotes.

Submissions (3):

CeGaT Center for Human Genetics Tuebingen
Classification: Pathogenic. Last evaluated: 2026-09-01. Review status: criteria provided, single submitter. Criteria: CeGaT Center For Human Genetics Tuebingen Variant Classification Criteria Version 2. Collection method: clinical testing. Allele origin: germline. Affected: yes. Observed: 2 variant alleles.
Comment: COL12A1: PVS1, PM2, PM3:Supporting

Labcorp Genetics (formerly Invitae), Labcorp
Classification: Pathogenic for Bethlem myopathy 2; Ullrich congenital muscular dystrophy 2. Last evaluated: 2025-04-28. Review status: criteria provided, single submitter. Criteria: Invitae Variant Classification Sherloc (09022015). Collection method: clinical testing. Allele origin: germline.
Comment: This sequence change affects a donor splice site in intron 50 of the COL12A1 gene. RNA analysis indicates that disruption of this splice site induces altered splicing and may result in an absent or altered protein product. This variant is not present in population databases (gnomAD no frequency). Disruption of this splice site has been observed in individual(s) with autosomal recessive COL12A1-related conditions (PMID: 24334604). It has also been observed to segregate with disease in related individuals. This variant is also known as c.8006+1G>A. ClinVar contains an entry for this variant (Variation ID: 204294). Studies have shown that disruption of this splice site results in exon skipping, and produces a non-functional protein and/or introduces a premature termination codon (PMID: 24334604). For these reasons, this variant has been classified as Pathogenic.

OMIM
Classification: Pathogenic for ULLRICH CONGENITAL MUSCULAR DYSTROPHY 2 (1 family). Last evaluated: 2014-05-01. Review status: no assertion criteria provided. Collection method: literature only. Allele origin: germline. Not counted in ClinVar's aggregate classification.

Literature cited by the submitters: PubMed 24334604 (cited by Labcorp Genetics (formerly Invitae), Labcorp and OMIM).